The following is an entry in ClinVar:

NM_021267.5(CERS1):c.506T>C (p.Met169Thr)

Genes: CERS1 (ceramide synthase 1; minus strand), GDF1 (growth differentiation factor 1; minus strand). Cytogenetic location: 19p13.11.
Variant type: single nucleotide variant.
Coding change: c.506T>C on transcript NM_021267.5 (MANE Select); coding-DNA position 506, T replaced by C.
Protein change: p.Met169Thr; replaces methionine 169 with threonine.
Molecular consequence: missense variant. On other transcripts: 5 prime UTR variant (2).
Genome position (GRCh38, 1-based): chr19:18,884,171, A>G on the plus strand (T>C on the coding strand, the complement: CERS1 is on the minus strand). VCF-style: chr19-18884171-A-G. GRCh37 (hg19) VCF-style: chr19-18994980-A-G.
Other names: c.212T>C, p.Met71Thr (NM_001290265.2, NM_001387442.1, NM_001387443.1 and 2 more transcripts); c.506T>C, p.Met169Thr (NM_001387439.1, NM_001387440.1, NM_001387441.1 and 1 more transcripts); c.-397T>C (NM_001387438.1); c.-817T>C (NM_001492.6); short protein forms M71T, M169T.
Identifiers: ClinVar variation 2790454 (VCV002790454.3), dbSNP rs1306271065, ClinGen allele CA404866981.

ClinVar aggregate classification (germline): Uncertain significance (1 of 4 stars; one submission).

Conditions:
Progressive myoclonic epilepsy type 8. Identifiers: Orphanet 424027, MedGen C5190825, MONDO:0014545, OMIM 616230.

Allele frequency attached by ClinVar (database versions not stated): gnomAD exomes below 0.00001.
gnomAD v4.1: 1 of 1,613,612 alleles (0.000062%); highest among the groups gnomAD compares: Non-Finnish European, 0.000085%; no homozygotes.

Submission:

Labcorp Genetics (formerly Invitae), Labcorp
Classification: Uncertain significance for Progressive myoclonic epilepsy type 8. Last evaluated: 2025-12-08. Review status: criteria provided, single submitter. Criteria: Invitae Variant Classification Sherloc (09022015). Collection method: clinical testing. Allele origin: germline.
Comment: This sequence change replaces methionine, which is neutral and non-polar, with threonine, which is neutral and polar, at codon 169 of the CERS1 protein (p.Met169Thr). This variant is present in population databases (no rsID available, gnomAD 0.0009%). This variant has not been reported in the literature in individuals affected with CERS1-related conditions. ClinVar contains an entry for this variant (Variation ID: 2790454). Invitae Evidence Modeling of protein sequence and biophysical properties (such as structural, functional, and spatial information, amino acid conservation, physicochemical variation, residue mobility, and thermodynamic stability) indicates that this missense variant is not expected to disrupt CERS1 protein function with a negative predictive value of 80%. In summary, the available evidence is currently insufficient to determine the role of this variant in disease. Therefore, it has been classified as a Variant of Uncertain Significance.